The following is an entry in ClinVar:

NM_001377229.1(DISP1):c.3199G>C (p.Asp1067His)

Gene: DISP1 (dispatched RND transporter family member 1; plus strand). Cytogenetic location: 1q41.
Variant type: single nucleotide variant.
Coding change: c.3199G>C on transcript NM_001377229.1 (MANE Select); coding-DNA position 3199, G replaced by C.
Protein change: p.Asp1067His; replaces aspartic acid 1067 with histidine.
Molecular consequence: missense variant.
Genome position (GRCh38, 1-based): chr1:223,004,596, G>C. VCF-style: chr1-223004596-G-C. GRCh37 (hg19) VCF-style: chr1-223177938-G-C.
Other names: c.2470G>C, p.Asp824His (NM_001350630.2); c.3199G>C, p.Asp1067His (NM_001369594.1, NM_001377228.1, NM_032890.5); short protein forms D1067H, D824H.
Identifiers: ClinVar variation 3613573 (VCV003613573.2).

ClinVar aggregate classification (germline): Uncertain significance (1 of 4 stars; one submission).

gnomAD v4.1: 9 of 1,614,000 alleles (0.00056%); highest among the groups gnomAD compares: African/African-American, 0.012%; no homozygotes.

Submission:

Labcorp Genetics (formerly Invitae), Labcorp
Classification: Uncertain significance. Last evaluated: 2025-02-03. Review status: criteria provided, single submitter. Criteria: Invitae Variant Classification Sherloc (09022015). Collection method: clinical testing. Allele origin: germline.
Comment: This sequence change replaces aspartic acid, which is acidic and polar, with histidine, which is basic and polar, at codon 1067 of the DISP1 protein (p.Asp1067His). This variant is present in population databases (rs200714482, gnomAD 0.03%). This variant has not been reported in the literature in individuals affected with DISP1-related conditions. An algorithm developed to predict the effect of missense changes on protein structure and function (PolyPhen-2) suggests that this variant is likely to be disruptive. In summary, the available evidence is currently insufficient to determine the role of this variant in disease. Therefore, it has been classified as a Variant of Uncertain Significance.